The following is an entry in ClinVar:

ClinVar aggregate classification (germline): Uncertain significance (1 of 4 stars; one submission).

Conditions:
Dyskeratosis congenita. Identifiers: Orphanet 1775, MedGen C0265965, MONDO:0015780.

Allele frequency attached by ClinVar (database versions not stated): gnomAD exomes below 0.00001.
gnomAD v4.1: 2 of 1,614,010 alleles (0.00012%); highest among the groups gnomAD compares: Non-Finnish European, 0.00017%; no homozygotes.

Submission:

Labcorp Genetics (formerly Invitae), Labcorp
Classification: Uncertain significance for Dyskeratosis congenita. Last evaluated: 2023-08-10. Review status: criteria provided, single submitter. Criteria: Invitae Variant Classification Sherloc (09022015). Collection method: clinical testing. Allele origin: germline.
Comment: Advanced modeling of protein sequence and biophysical properties (such as structural, functional, and spatial information, amino acid conservation, physicochemical variation, residue mobility, and thermodynamic stability) performed at Invitae indicates that this missense variant is not expected to disrupt CTC1 protein function. In summary, the available evidence is currently insufficient to determine the role of this variant in disease. Therefore, it has been classified as a Variant of Uncertain Significance. ClinVar contains an entry for this variant (Variation ID: 2109112). This variant has not been reported in the literature in individuals affected with CTC1-related conditions. This variant is not present in population databases (gnomAD no frequency). This sequence change replaces serine, which is neutral and polar, with phenylalanine, which is neutral and non-polar, at codon 248 of the CTC1 protein (p.Ser248Phe).

NM_025099.6(CTC1):c.743C>T (p.Ser248Phe)

Gene: CTC1 (CST telomere replication complex component 1; minus strand). Cytogenetic location: 17p13.1.
Variant type: single nucleotide variant.
Coding change: c.743C>T on transcript NM_025099.6 (MANE Select); coding-DNA position 743, C replaced by T.
Protein change: p.Ser248Phe; replaces serine 248 with phenylalanine.
Molecular consequence: missense variant.
Genome position (GRCh38, 1-based): chr17:8,237,424, G>A on the plus strand (C>T on the coding strand, the complement: CTC1 is on the minus strand). VCF-style: chr17-8237424-G-A. GRCh37 (hg19) VCF-style: chr17-8140742-G-A.
Other names: c.743C>T, p.Ser248Phe (NM_001411067.1); short protein forms S248F.
Identifiers: ClinVar variation 2109112 (VCV002109112.4), dbSNP rs771526230, ClinGen allele CA397991352.
Genomic context (GRCh38, chr17:8,237,424, plus strand): 5'-CCAGTCCTCACCTGCACGATGATGGACACGTGGGTGACAGCTGGGTGTGATCTACCAAGA[G>A]ACAGGATGAAGTAAGCTTTCTGTTTACTTTTCACCAGAGCACTCAATCGAACTAGACTCC-3'
Protein context (NP_079375.3, residues 238-258): KSKQKAYFIL[Ser248Phe]LGRSHPAVTH